The following is an entry in ClinVar:

ClinVar aggregate classification (germline): Uncertain significance (1 of 4 stars; one submission).

Conditions:
Adams-Oliver syndrome 5 (AOS5). Identifiers: Orphanet 974, MedGen C4014970, MONDO:0014459, OMIM 616028.

Allele frequency attached by ClinVar (database versions not stated): TOPMed below 0.00001.

Submission:

Labcorp Genetics (formerly Invitae), Labcorp
Classification: Uncertain significance for Adams-Oliver syndrome 5. Last evaluated: 2025-02-03. Review status: criteria provided, single submitter. Criteria: Invitae Variant Classification Sherloc (09022015). Collection method: clinical testing. Allele origin: germline.
Comment: This sequence change replaces leucine, which is neutral and non-polar, with proline, which is neutral and non-polar, at codon 2510 of the NOTCH1 protein (p.Leu2510Pro). This variant is not present in population databases (gnomAD no frequency). This variant has not been reported in the literature in individuals affected with NOTCH1-related conditions. ClinVar contains an entry for this variant (Variation ID: 477971). Invitae Evidence Modeling of protein sequence and biophysical properties (such as structural, functional, and spatial information, amino acid conservation, physicochemical variation, residue mobility, and thermodynamic stability) indicates that this missense variant is not expected to disrupt NOTCH1 protein function with a negative predictive value of 80%. In summary, the available evidence is currently insufficient to determine the role of this variant in disease. Therefore, it has been classified as a Variant of Uncertain Significance.

NM_017617.5(NOTCH1):c.7529T>C (p.Leu2510Pro)

Gene: NOTCH1 (notch receptor 1; minus strand). Cytogenetic location: 9q34.3.
Variant type: single nucleotide variant.
Coding change: c.7529T>C on transcript NM_017617.5 (MANE Select); coding-DNA position 7529, T replaced by C.
Protein change: p.Leu2510Pro; replaces leucine 2510 with proline.
Molecular consequence: missense variant.
Genome position (GRCh38, 1-based): chr9:136,496,210, A>G on the plus strand (T>C on the coding strand, the complement: NOTCH1 is on the minus strand). VCF-style: chr9-136496210-A-G. GRCh37 (hg19) VCF-style: chr9-139390662-A-G.
Other names: c.7529T>C, p.Leu2510Pro (LRG_1122t1); short protein forms L2510P.
Identifiers: ClinVar variation 477971 (VCV000477971.8), dbSNP rs1554826340, ClinGen allele CA375626005.